The following is an entry in ClinVar:

NM_000057.4(BLM):c.98_98+10del

Gene: BLM (BLM RecQ like helicase; plus strand). Cytogenetic location: 15q26.1.
Variant type: Deletion.
Coding change: c.98_98+10del on transcript NM_000057.4 (MANE Select); coding-DNA position 98 through 10 bases into the intron after coding-DNA position 98, 11 bases deleted (CGTAAGTGTTT).
Molecular consequence: splice donor variant.
Genome position (GRCh38, 1-based): chr15:90,747,490-90,747,500, CGTAAGTGTTT deleted; deleting any 11 consecutive bases within chr15:90,747,487-90,747,500 gives the same sequence; the c. name uses the placement nearest the transcript's 3' end. VCF-style (leftmost placement, unchanged base first): chr15-90747486-TTTTCGTAAGTG-T. GRCh37 (hg19) VCF-style: chr15-91290716-TTTTCGTAAGTG-T.
Other names: c.98_98+10del (NM_001287246.2, NM_001287247.2); c.-1194_-1194+10del (NM_001287248.2).
Identifiers: ClinVar variation 4815915 (VCV004815915.1).
Genomic context (GRCh38, chr15:90,747,486, plus strand): 5'-CAACTAGAACGTCACTCAGCCAGAACACTTAATAATAAATTAAGTCTTTCAAAACCAAAA[TTTTCGTAAGTG>T]TTTTGACTGGTTTGCTGTCACATAGGCACTAACTTACCACATTGTACACATGAGATATCT-3'

ClinVar aggregate classification (germline): Likely pathogenic (1 of 4 stars; one submission).

Conditions:
Bloom syndrome (BLM). Also called: Bloom-Torre-Machacek syndrome. Identifiers: Orphanet 125, MedGen C0005859, MONDO:0008876, OMIM 210900.

Submission:

Natera, Inc.
Classification: Likely pathogenic for Bloom syndrome. Last evaluated: 2025-10-08. Review status: criteria provided, single submitter. Criteria: Natera Variant Classification Schema (03/2026). Collection method: clinical testing. Allele origin: germline.
Comment: The c.98_98+10del variant in BLM is a deletion affecting the canonical splice donor site. This variant is expected to result in nonsense mediated decay, truncation, or a dysfunctional protein product. This variant is rare in the general population with a frequency below the threshold expected for the associated phenotype(s). Given the available evidence, this variant is classified as Likely Pathogenic.